The following is an entry in ClinVar:

NM_001289808.2(CRYAB):c.215A>T (p.Lys72Met)

Gene: CRYAB (crystallin alpha B; minus strand). Cytogenetic location: 11q23.1.
Variant type: single nucleotide variant.
Coding change: c.215A>T on transcript NM_001289808.2 (MANE Select); coding-DNA position 215, A replaced by T.
Protein change: p.Lys72Met; replaces lysine 72 with methionine.
Molecular consequence: missense variant.
Genome position (GRCh38, 1-based): chr11:111,910,436, T>A on the plus strand (A>T on the coding strand, the complement: CRYAB is on the minus strand). VCF-style: chr11-111910436-T-A. GRCh37 (hg19) VCF-style: chr11-111781160-T-A.
Other names: c.215A>T, p.Lys72Met (NM_001368245.1, NM_001885.3, NM_001289807.1); c.14A>T, p.Lys5Met (NM_001368246.1, NM_001330379.1); short protein forms K72M, K5M.
Identifiers: ClinVar variation 2848762 (VCV002848762.3), dbSNP rs2497880987, ClinGen allele CA382599654.

ClinVar aggregate classification (germline): Uncertain significance (1 of 4 stars; one submission).

Conditions:
Dilated cardiomyopathy 1II (CMD1II). Identifiers: Orphanet 154, MedGen C3554649, MONDO:0014073, OMIM 615184.

Submission:

Labcorp Genetics (formerly Invitae), Labcorp
Classification: Uncertain significance for Dilated cardiomyopathy 1II. Last evaluated: 2023-03-23. Review status: criteria provided, single submitter. Criteria: Invitae Variant Classification Sherloc (09022015). Collection method: clinical testing. Allele origin: germline.
Comment: In summary, the available evidence is currently insufficient to determine the role of this variant in disease. Therefore, it has been classified as a Variant of Uncertain Significance. An algorithm developed to predict the effect of missense changes on protein structure and function (PolyPhen-2) suggests that this variant is likely to be disruptive. This variant has not been reported in the literature in individuals affected with CRYAB-related conditions. This variant is not present in population databases (gnomAD no frequency). This sequence change replaces lysine, which is basic and polar, with methionine, which is neutral and non-polar, at codon 72 of the CRYAB protein (p.Lys72Met).